The following is an entry in ClinVar:

GRCh38/hg38 11p13(chr11:31780836-32088303)x3

Genes: ELP4 (elongator acetyltransferase complex subunit 4; plus strand), LINC03031 (long intergenic non-protein coding RNA 3031; minus strand), PAUPAR (PAX6 upstream antisense RNA; plus strand), PAX6 (paired box 6; minus strand), PAX6-AS1 (PAX6 antisense RNA 1; plus strand) and 11 more. Cytogenetic location: 11p13.
Variant type: copy number gain.
Change: copy number 3 (three copies instead of two) of chr11:31,780,836-32,088,303 (307.5 kb, GRCh38 coordinates, 1-based), cytogenetic band 11p13.
Identifiers: ClinVar variation 57005 (VCV000057005.1).

ClinVar aggregate classification (germline): Uncertain significance (1 of 4 stars; one submission).

Submission:

ISCA site 4
Classification: Uncertain significance. Last evaluated: 2011-08-12. Review status: criteria provided, single submitter. Criteria: Kaminsky et al. (Genet Med. 2011). Collection method: clinical testing. Allele origin: unknown. Affected: yes. Observed: 1 variant allele.
Comment: Copy number variation identified through the course of routine clinical cytogenomic testing in postnatal populations. Clinical assertions have been curated as described in Kaminsky et al. 2011.